The following is an entry in ClinVar:

NM_000548.5(TSC2):c.3016A>G (p.Asn1006Asp)

Gene: TSC2 (TSC complex subunit 2; plus strand). Cytogenetic location: 16p13.3.
Variant type: single nucleotide variant.
Coding change: c.3016A>G on transcript NM_000548.5 (MANE Select); coding-DNA position 3016, A replaced by G.
Protein change: p.Asn1006Asp; replaces asparagine 1006 with aspartic acid.
Molecular consequence: missense variant. On other transcripts: non-coding transcript variant (5).
Genome position (GRCh38, 1-based): chr16:2,079,081, A>G. VCF-style: chr16-2079081-A-G. GRCh37 (hg19) VCF-style: chr16-2129082-A-G.
Other names: c.2884A>G, p.Asn962Asp (NM_001077183.3, NM_001370404.1, NM_001406665.1); c.3016A>G, p.Asn1006Asp (NM_001114382.3); c.2776A>G, p.Asn926Asp (NM_001318827.2); c.2740A>G, p.Asn914Asp (NM_001318829.2); c.2284A>G, p.Asn762Asp (NM_001318831.2, NM_001406687.1, NM_001406688.1); c.2917A>G, p.Asn973Asp (NM_001318832.2); c.2887A>G, p.Asn963Asp (NM_001363528.2, NM_021055.3, NM_001370405.1); c.2866A>G, p.Asn956Asp (NM_001406676.1); and 18 more; short protein forms N1005D, N1006D, N428D, N514D, N515D, N558D, N762D, N763D.
Identifiers: ClinVar variation 4802870 (VCV004802870.1).
Genomic context (GRCh38, chr16:2,079,081, plus strand): 5'-TCTCCCTCCAGCAGGATACAGACGTCCCTCACCAGTGCCAGCTTGGGGTCTGCAGATGAG[A>G]ACTCCGTGGCCCAGGCTGACGATAGCCTGAAAAACCTCCACCTGGAGCTCACGGAAACCT-3'
Protein context (NP_000539.2, residues 996-1016): TSASLGSADE[Asn1006Asp]SVAQADDSLK

ClinVar aggregate classification (germline): Uncertain significance (1 of 4 stars; one submission).

Conditions:
Tuberous sclerosis 2 (TSC2). Identifiers: Orphanet 805, MedGen C1860707, MONDO:0013199, OMIM 613254.

gnomAD v4.1: 9 of 1,612,926 alleles (0.00056%); highest among the groups gnomAD compares: African/African-American, 0.012%; no homozygotes.

Submission:

Labcorp Genetics (formerly Invitae), Labcorp
Classification: Uncertain significance for Tuberous sclerosis 2. Last evaluated: 2025-09-11. Review status: criteria provided, single submitter. Criteria: Invitae Variant Classification Sherloc (09022015). Collection method: clinical testing. Allele origin: germline.
Comment: This sequence change replaces asparagine, which is neutral and polar, with aspartic acid, which is acidic and polar, at codon 1006 of the TSC2 protein (p.Asn1006Asp). This variant is not present in population databases (gnomAD no frequency). This variant has not been reported in the literature in individuals affected with TSC2-related conditions. Invitae Evidence Modeling of protein sequence and biophysical properties (such as structural, functional, and spatial information, amino acid conservation, physicochemical variation, residue mobility, and thermodynamic stability) indicates that this missense variant is not expected to disrupt TSC2 protein function with a negative predictive value of 95%. In summary, the available evidence is currently insufficient to determine the role of this variant in disease. Therefore, it has been classified as a Variant of Uncertain Significance.